The following is an entry in ClinVar:

ClinVar aggregate classification (germline): Pathogenic (0 of 4 stars; one submission).

Conditions:
Charcot-Marie-Tooth disease axonal type 2P. Also called: CHARCOT-MARIE-TOOTH NEUROPATHY, TYPE 2P; Charcot-Marie-Tooth Neuropathy Type 2G; CHARCOT-MARIE-TOOTH DISEASE, AXONAL, TYPE 2G; CMT 2G. Identifiers: Orphanet 300319, Orphanet 99941, MedGen C3280797, MONDO:0013753, OMIM 614436.

Submission:

Critical Care Medical Center, Fujian Provincial Hospital
Classification: Pathogenic for Charcot-Marie-Tooth disease axonal type 2P. Review status: no assertion criteria provided. Collection method: clinical testing. Allele origin: germline. Inheritance: Autosomal dominant inheritance. Affected: yes.
Comment: • The NM_001005373.3: c.1190del(p.Cys397Leufs*66) is a frameshift mutation variant in LRSAM1 gene, in which the cysteine at position 397 was changed to a leucine, resulting in the reading frame shift and the generation of a stop codon after the addition of amino acid 66. It may lead to the loss or destruction of the protein product (PVS1). At least 21 probands with clinical diagnosis of CMT2P carried the same LRSAM1 mutation (PMID: 20865121、33414056, PS4 ). However, this variant was not found in the HGMD, ESP6500, ExAC_ALL, or gnomAD_genome_ALL databases (PM2 supporting). Bioinformatics analysis predicted the pathogenicity of this mutation (PP3). In summary, this variant meets criteria to be classified as pathogenic for CMT2P based on the ACMG/AMP criteria applied, as specified by the according to the ClinGen LRSAM1 VCEP: PVS1, PP4, PS4, PM2_Sup, PP3. (less)

Literature cited by the submitters: PubMed 30996334; PubMed 20865121; PubMed 33414056.

NM_001005373.4(LRSAM1):c.1190del (p.Cys397fs)

Gene: LRSAM1 (leucine rich repeat and sterile alpha motif containing 1; plus strand). Cytogenetic location: 9q33.3.
Variant type: Deletion.
Coding change: c.1190del on transcript NM_001005373.4 (MANE Select); coding-DNA position 1190, one base deleted (G; older notation c.1190delG).
Protein change: p.Cys397fs; shifts the reading frame from cysteine 397.
Molecular consequence: frameshift variant. On other transcripts: non-coding transcript variant (2).
Genome position (GRCh38, 1-based): chr9:127,485,766, G deleted. VCF-style (leftmost placement, unchanged base first): chr9-127485765-TG-T. GRCh37 (hg19) VCF-style: chr9-130248044-TG-T.
Other names: c.1190del, p.Cys397fs (NM_001005374.4, NM_001190723.3, NM_001384142.1 and 2 more transcripts); c.401del, p.Cys134fs (NM_001384144.1); short protein forms C134fs, C397fs.
Identifiers: ClinVar variation 3341092 (VCV003341092.2).